The following is an entry in ClinVar:

NM_013247.5(HTRA2):c.239G>T (p.Arg80Leu)

Gene: HTRA2 (HtrA serine peptidase 2; plus strand). Cytogenetic location: 2p13.1.
Variant type: single nucleotide variant.
Coding change: c.239G>T on transcript NM_013247.5 (MANE Select); coding-DNA position 239, G replaced by T.
Protein change: p.Arg80Leu; replaces arginine 80 with leucine.
Molecular consequence: missense variant. On other transcripts: non-coding transcript variant (1).
Genome position (GRCh38, 1-based): chr2:74,530,245, G>T. VCF-style: chr2-74530245-G-T. GRCh37 (hg19) VCF-style: chr2-74757372-G-T.
Other names: c.239G>T, p.Arg80Leu (NM_001321727.1, NM_001321728.1, NM_145074.2); short protein forms R80L.
Identifiers: ClinVar variation 2189530 (VCV002189530.28), dbSNP rs369767551, ClinGen allele CA1728307.

ClinVar aggregate classification (germline): Uncertain significance. Review status: criteria provided, multiple submitters, no conflicts (2 of 4 stars). 3 submissions from 3 submitters: Uncertain significance (3). Last evaluated 2025-09-08.

Conditions:
Inborn genetic diseases. Identifiers: MedGen C0950123, MeSH D030342.

Allele frequency attached by ClinVar (database versions not stated): ESP Exome Variant Server 0.00015; TOPMed 0.00020; gnomAD 0.00021.

Submissions (3):

Labcorp Genetics (formerly Invitae), Labcorp
Classification: Uncertain significance. Last evaluated: 2025-09-08. Review status: criteria provided, single submitter. Criteria: Invitae Variant Classification Sherloc (09022015). Collection method: clinical testing. Allele origin: germline.
Comment: This sequence change replaces arginine, which is basic and polar, with leucine, which is neutral and non-polar, at codon 80 of the HTRA2 protein (p.Arg80Leu). This variant is present in population databases (rs369767551, gnomAD 0.08%). This variant has not been reported in the literature in individuals affected with HTRA2-related conditions. ClinVar contains an entry for this variant (Variation ID: 2189530). An algorithm developed to predict the effect of missense changes on protein structure and function (PolyPhen-2) suggests that this variant is likely to be tolerated. In summary, the available evidence is currently insufficient to determine the role of this variant in disease. Therefore, it has been classified as a Variant of Uncertain Significance.

Ambry Genetics
Classification: Uncertain significance for Inborn genetic diseases. Last evaluated: 2025-08-30. Review status: criteria provided, single submitter. Criteria: Ambry Variant Classification Scheme 2023. Collection method: clinical testing. Allele origin: germline.

CeGaT Center for Human Genetics Tuebingen
Classification: Uncertain significance. Last evaluated: 2024-02-01. Review status: criteria provided, single submitter. Criteria: CeGaT Center For Human Genetics Tuebingen Variant Classification Criteria Version 2. Collection method: clinical testing. Allele origin: germline. Affected: yes. Observed: 1 variant allele.
Comment: HTRA2: PM2, BP4